The following is an entry in ClinVar:

ClinVar aggregate classification (germline): Conflicting classifications of pathogenicity. Review status: criteria provided, conflicting classifications (1 of 4 stars). 2 submissions from 2 submitters: Uncertain significance (1); Likely benign (1). Last evaluated 2024-04-10.

Conditions:
Inborn genetic diseases. Identifiers: MedGen C0950123, MeSH D030342.

Allele frequency attached by ClinVar (database versions not stated): ExAC 0.00004; gnomAD 0.00004; TOPMed 0.00005; ESP Exome Variant Server 0.00023.

Submissions (2):

Labcorp Genetics (formerly Invitae), Labcorp
Classification: Uncertain significance. Last evaluated: 2024-04-10. Review status: criteria provided, single submitter. Criteria: Invitae Variant Classification Sherloc (09022015). Collection method: clinical testing. Allele origin: germline.
Comment: This sequence change replaces alanine, which is neutral and non-polar, with valine, which is neutral and non-polar, at codon 243 of the FOCAD protein (p.Ala243Val). This variant is present in population databases (rs141558162, gnomAD 0.005%). This variant has not been reported in the literature in individuals affected with FOCAD-related conditions. In summary, the available evidence is currently insufficient to determine the role of this variant in disease. Therefore, it has been classified as a Variant of Uncertain Significance.

Ambry Genetics
Classification: Likely benign for Inborn genetic diseases. Last evaluated: 2023-12-14. Review status: criteria provided, single submitter. Criteria: Ambry Variant Classification Scheme 2023. Collection method: clinical testing. Allele origin: germline.

NM_001375567.1(FOCAD):c.728C>T (p.Ala243Val)

Gene: FOCAD (focadhesin; plus strand). Cytogenetic location: 9p21.3.
Variant type: single nucleotide variant.
Coding change: c.728C>T on transcript NM_001375567.1 (MANE Select); coding-DNA position 728, C replaced by T.
Protein change: p.Ala243Val; replaces alanine 243 with valine.
Molecular consequence: missense variant.
Genome position (GRCh38, 1-based): chr9:20,770,060, C>T. VCF-style: chr9-20770060-C-T. GRCh37 (hg19) VCF-style: chr9-20770059-C-T.
Other names: c.728C>T, p.Ala243Val (NM_001375568.1, NM_017794.5); c.623C>T, p.Ala208Val (NM_001375570.1); short protein forms A243V, A208V.
Identifiers: ClinVar variation 3096194 (VCV003096194.3), dbSNP rs141558162, ClinGen allele CA5006467.